The following is an entry in ClinVar:

NM_001164508.2(NEB):c.13359dup (p.Ile4454fs)

Gene: NEB (nebulin; minus strand). Cytogenetic location: 2q23.3.
Variant type: Duplication.
Coding change: c.13359dup on transcript NM_001164508.2 (MANE Select); coding-DNA position 13359, one base duplicated (G; older notation c.13359dupG).
Protein change: p.Ile4454fs; shifts the reading frame from isoleucine 4454.
Molecular consequence: frameshift variant. On other transcripts: intron variant (1).
Genome position (GRCh38, 1-based): chr2:151,602,596, C duplicated on the plus strand (G on the coding strand, the reverse complement: NEB is on the minus strand). VCF-style (leftmost placement, unchanged base first): chr2-151602595-T-TC. GRCh37 (hg19) VCF-style: chr2-152459109-T-TC.
Other names: c.13359dup, p.Ile4454fs (NM_001164507.2, NM_001271208.2); c.11601+7213dup (NM_004543.5); short protein forms I4454fs.
Identifiers: ClinVar variation 3646974 (VCV003646974.2).

ClinVar aggregate classification (germline): Pathogenic (1 of 4 stars; one submission).

Conditions:
Nemaline myopathy 2 (NEM2). Also called: Nemaline myopathy 2, autosomal recessive. Identifiers: MedGen C1850569, MONDO:0009725, OMIM 256030.

Submission:

Labcorp Genetics (formerly Invitae), Labcorp
Classification: Pathogenic for Nemaline myopathy 2. Last evaluated: 2024-03-20. Review status: criteria provided, single submitter. Criteria: Invitae Variant Classification Sherloc (09022015). Collection method: clinical testing. Allele origin: germline.
Comment: This variant occurs in a region of NEB (Exons 82-105) consisting of three highly homologous 8-exon repeat units (exons 82-89, exons 90-97, exons 98-105). Sequence variants in this region can be detected, but this assay cannot determine which of the three repeat units is affected, and zygosity is often ambiguous. All variants in this region are reported relative to the exon 82-89 repeat. This sequence change creates a premature translational stop signal (p.Ile4454Aspfs*4) in the NEB gene. It is expected to result in an absent or disrupted protein product. Loss-of-function variants in NEB are known to be pathogenic (PMID: 25205138). The frequency data for this variant in the population databases (gnomAD) is considered unreliable due to the presence of homologous sequence, such as pseudogenes or paralogs, in the genome. This variant has not been reported in the literature in individuals affected with NEB-related conditions. For these reasons, this variant has been classified as Pathogenic.

Literature cited by the submitters: PubMed 25205138.